The following is an entry in ClinVar:

NM_001256864.2(DNAJC6):c.766C>T (p.Arg256Ter)

Gene: DNAJC6 (DnaJ heat shock protein family (Hsp40) member C6; plus strand). Cytogenetic location: 1p31.3.
Variant type: single nucleotide variant.
Coding change: c.766C>T on transcript NM_001256864.2 (MANE Select); coding-DNA position 766, C replaced by T.
Protein change: p.Arg256Ter; replaces arginine 256 with a stop codon.
Molecular consequence: nonsense.
Genome position (GRCh38, 1-based): chr1:65,384,292, C>T. VCF-style: chr1-65384292-C-T. GRCh37 (hg19) VCF-style: chr1-65849975-C-T.
Other names: NC_000001.10:g.65849975C>T; c.556C>T, p.Arg186Ter (NM_001256865.2); c.595C>T, p.Arg199Ter (NM_014787.4); short protein forms R186*, R199*, R256*.
Identifiers: ClinVar variation 1098743 (VCV001098743.3), dbSNP rs745630837, ClinGen allele CA340681422.

ClinVar aggregate classification (germline): not provided (0 of 4 stars; one submission).

Conditions:
Juvenile onset Parkinson disease 19A. Also called: DNAJC6 Parkinson Disease; PARK19. Identifiers: Orphanet 391411, MedGen C3809811, MONDO:0014231, OMIM 615528.

gnomAD v4.1: 5 of 1,580,126 alleles (0.00032%); highest among the groups gnomAD compares: Non-Finnish European, 0.00034%; no homozygotes.

Submissions (2):

Dr. Peter K. Rogan Lab, Western University
No classification provided (evidence only). Condition: Colorectal cancer. Review status: no classification provided. Collection method: in vitro. Allele origin: not applicable. Functional consequence: retained intron. Not counted in ClinVar's aggregate classification.

GeneReviews
No classification provided. Condition: Juvenile onset Parkinson disease 19A. Review status: no classification provided. Collection method: literature only. Allele origin: germline.
Comment: Juvenile-onset parkinsonism; founder variant identified in 2 unrelated families originating from the same region in Pakistan

Literature cited by the submitters: PubMed 32472658 (cited by GeneReviews); PubMed 33983693 (cited by GeneReviews).